The following is an entry in ClinVar:

NM_001370298.3(FGD4):c.*1564T>C

Gene: FGD4 (FYVE, RhoGEF and PH domain containing 4; plus strand). Cytogenetic location: 12p11.21.
Variant type: single nucleotide variant.
Coding change: c.*1564T>C on transcript NM_001370298.3 (MANE Select); 1564 bases downstream of the stop codon, T replaced by C.
Molecular consequence: 3 prime UTR variant. On other transcripts: intron variant (3).
Genome position (GRCh38, 1-based): chr12:32,642,097, T>C. VCF-style: chr12-32642097-T-C. GRCh37 (hg19) VCF-style: chr12-32795031-T-C.
Other names: c.*1564T>C (NM_001304481.2, NM_001304484.2, NM_001330373.2 and 5 more transcripts); c.2632+1644T>C (NM_001384126.1); c.2221+1644T>C (NM_001384127.1, NM_001384128.1).
Identifiers: ClinVar variation 883787 (VCV000883787.4), dbSNP rs77836862, ClinGen allele CA235249078.
Genomic context (GRCh38, chr12:32,642,097, plus strand): 5'-AGAATTTGAGACTGCCACACATTTATTCAGGCCTTGTTACTTTAAGAAATATCTTATTTT[T>C]TCCACCCCAAAGGAGCAAGTGAACCAATTATTGCTGACATAATAGGTTCCCTTCCTCCAT-3'

ClinVar aggregate classification (germline): Benign (1 of 4 stars; one submission).

Conditions:
Charcot-Marie-Tooth disease type 4H (CMT4H). Also called: CHARCOT-MARIE-TOOTH DISEASE, AUTOSOMAL RECESSIVE, TYPE 4H; CHARCOT-MARIE-TOOTH DISEASE, DEMYELINATING, AUTOSOMAL RECESSIVE, TYPE 4H; CHARCOT-MARIE-TOOTH NEUROPATHY, TYPE 4H; CHARCOT-MARIE-TOOTH DISEASE, DEMYELINATING, TYPE 4H. Identifiers: Orphanet 99954, MedGen C1836336, MONDO:0012250, OMIM 609311.

Allele frequency attached by ClinVar (database versions not stated): gnomAD 0.00383 and 0.00399; TOPMed 0.00463; 1000 Genomes Project 0.00679; 1000 Genomes Project 30x 0.00687.

Submission:

Illumina Laboratory Services, Illumina
Classification: Benign for Charcot-Marie-Tooth disease type 4H. Last evaluated: 2018-01-13. Review status: criteria provided, single submitter. Criteria: ICSL Variant Classification Criteria 13 December 2019. Collection method: clinical testing. Allele origin: germline.
Comment: This variant was observed in the ICSL laboratory as part of a predisposition screen in an ostensibly healthy population. It had not been previously curated by ICSL or reported in the Human Gene Mutation Database (HGMD: prior to June 1st, 2018), and was therefore a candidate for classification through an automated scoring system. Utilizing variant allele frequency, disease prevalence and penetrance estimates, and inheritance mode, an automated score was calculated to assess if this variant is too frequent to cause the disease. Based on the score and internal cut-off values, a variant classified as benign is not then subjected to further curation. The score for this variant resulted in a classification of benign for this disease.